The following is an entry in ClinVar:

NM_000545.8(HNF1A):c.121G>T (p.Glu41Ter)

Gene: HNF1A (HNF1 homeobox A; plus strand). Cytogenetic location: 12q24.31.
Variant type: single nucleotide variant.
Coding change: c.121G>T on transcript NM_000545.8 (MANE Select); coding-DNA position 121, G replaced by T.
Protein change: p.Glu41Ter; replaces glutamic acid 41 with a stop codon.
Molecular consequence: nonsense.
Genome position (GRCh38, 1-based): chr12:120,978,889, G>T. VCF-style: chr12-120978889-G-T. GRCh37 (hg19) VCF-style: chr12-121416692-G-T.
Other names: NM_001306179.2:c.121G>T; c.121G>T, p.Glu41Ter (NM_001306179.2); short protein forms E41*.
Identifiers: ClinVar variation 1676712 (VCV001676712.3), dbSNP rs2135819670, ClinGen allele CA386953008.

ClinVar aggregate classification (germline): Pathogenic (3 of 4 stars; one submission).

Conditions:
Monogenic diabetes. Identifiers: Orphanet 183625, MedGen C3888631, MONDO:0015967.

Submission:

ClinGen Monogenic Diabetes Variant Curation Expert Panel
Classification: Pathogenic for Monogenic diabetes. Last evaluated: 2022-04-02. Review status: reviewed by expert panel. Criteria: ClinGen Diabetes ACMG Specifications v1 1. Collection method: curation. Allele origin: germline. Inheritance: Autosomal dominant inheritance.
Comment: The c.121G>T variant in the HNF1 homeobox A gene, HNF1A, results in a premature termination at codon 41 (p.(Glu41Ter)) of NM_000545.8. This variant, located in biologically-relevant exon 1 of 10, is predicted to lead to nonsense mediated decay in a gene in which loss-of-function is an established disease mechanism (PVS1; PMID: 23348805). Additionally, this variant segregated with diabetes, with 9 informative meioses in one family with MODY (PP1_Strong; PMID: 20690076) and is absent from gnomAD v2.1.1 (PM2_Supporting). In summary, c.121G>T meets the criteria to be classified as pathogenic for monogenic diabetes. ACMG/AMP criteria applied, as specified by the ClinGen MDEP (specification version 1.1, approved 9/30/21): PVS1, PM2_Supporting, PP1_Strong.